The following is an entry in ClinVar:

NM_006440.5(TXNRD2):c.1496C>T (p.Thr499Ile)

Gene: TXNRD2 (thioredoxin reductase 2; minus strand). Cytogenetic location: 22q11.21.
Variant type: single nucleotide variant.
Coding change: c.1496C>T on transcript NM_006440.5 (MANE Select); coding-DNA position 1496, C replaced by T.
Protein change: p.Thr499Ile; replaces threonine 499 with isoleucine.
Molecular consequence: missense variant. On other transcripts: non-coding transcript variant (1).
Genome position (GRCh38, 1-based): chr22:19,877,184, G>A on the plus strand (C>T on the coding strand, the complement: TXNRD2 is on the minus strand). VCF-style: chr22-19877184-G-A. GRCh37 (hg19) VCF-style: chr22-19864707-G-A.
Other names: c.1493C>T, p.Thr498Ile (NM_001352300.2); c.1406C>T, p.Thr469Ile (NM_001352301.2); c.1208C>T, p.Thr403Ile (NM_001352302.2); short protein forms T498I, T403I, T469I, T499I.
Identifiers: ClinVar variation 1773895 (VCV001773895.3), dbSNP rs2517266721, ClinGen allele CA410691572.
Genomic context (GRCh38, chr22:19,877,184, plus strand): 5'-ACCGTGGGGTCCAGGCCTGAGCGCTTGGAGATGCGCAGCTTGACTACCTCCTCAGAGCAT[G>A]TGGGATGGATACCCACGGTCCGCATCACCTGCGCATAGGAAGCCCCACACCTGCACATGG-3'
Protein context (NP_006431.2, residues 489-509): QVMRTVGIHP[Thr499Ile]CSEEVVKLRI

ClinVar aggregate classification (germline): Uncertain significance. Review status: criteria provided, multiple submitters, no conflicts (2 of 4 stars). 2 submissions from 2 submitters: Uncertain significance (2). Last evaluated 2024-11-26.

Conditions:
Cardiovascular phenotype. Identifiers: MedGen CN230736.

Submissions (2):

GeneDx
Classification: Uncertain significance. Last evaluated: 2024-11-26. Review status: criteria provided, single submitter. Criteria: GeneDx Variant Classification Process June 2021. Collection method: clinical testing. Allele origin: germline. Affected: yes.
Comment: Not observed at significant frequency in large population cohorts (gnomAD); In silico analysis supports that this missense variant has a deleterious effect on protein structure/function; Has not been previously published as pathogenic or benign to our knowledge

Ambry Genetics
Classification: Uncertain significance for Cardiovascular phenotype. Last evaluated: 2019-12-05. Review status: criteria provided, single submitter. Criteria: Ambry Variant Classification Scheme 2023. Collection method: clinical testing. Allele origin: germline.
Comment: The p.T499I variant (also known as c.1496C>T), located in coding exon 17 of the TXNRD2 gene, results from a C to T substitution at nucleotide position 1496. The threonine at codon 499 is replaced by isoleucine, an amino acid with similar properties. This amino acid position is highly conserved in available vertebrate species. In addition, this alteration is predicted to be deleterious by in silico analysis. Since supporting evidence is limited at this time, the clinical significance of this alteration remains unclear.